The following is an entry in ClinVar:

ClinVar aggregate classification (germline): Pathogenic/Likely pathogenic. Review status: criteria provided, multiple submitters, no conflicts (2 of 4 stars). 2 submissions from 2 submitters: Pathogenic (1); Likely pathogenic (1). Last evaluated 2024-10-16.

Conditions:
Hereditary cancer-predisposing syndrome. Also called: Tumor predisposition; Hereditary neoplastic syndrome; Neoplastic Syndromes, Hereditary; Hereditary Cancer Syndrome. Identifiers: Orphanet 140162, MedGen C0027672, MeSH D009386, MONDO:0015356.
Breast-ovarian cancer, familial, susceptibility to, 3. Also called: RAD51C-Related Breast/Ovarian Cancer. Identifiers: Orphanet 145, MedGen C3150659, MONDO:0013253, OMIM 613399.

Submissions (2):

Ambry Genetics
Classification: Likely pathogenic for Hereditary cancer-predisposing syndrome. Last evaluated: 2024-10-16. Review status: criteria provided, single submitter. Criteria: Ambry Variant Classification Scheme 2023. Collection method: clinical testing. Allele origin: germline.
Comment: The c.42_45dupGGTG variant, located in coding exon 1 of the RAD51C gene, results from a duplication of GGTG at nucleotide position 42, causing a translational frameshift with a predicted alternate stop codon (p.S16Gfs*22). The predicted stop codon occurs in the 5&rsquo; end of theRAD51C gene. Premature termination codons in the 5&rsquo; end of a gene have been reported to escape nonsense-mediated mRNAdecay and/or lead to re-initiation (Rivas et al. Science. 2015 May 8;348(6235):666-9; Lindeboom et al. Nat Genet. 2016 Oct;48(10):1112-8; Rhee et al. Sci Rep. 2017 May 10;7(1):1653). Direct evidence for this alteration is unavailable, however premature termination codons are typically deleterious in nature. This variant is considered to be rare based on population cohorts in the Genome Aggregation Database (gnomAD). Based on the majority of available evidence to date, this variant is likely to be pathogenic.

Myriad Genetics, Inc.
Classification: Pathogenic for Breast-ovarian cancer, familial, susceptibility to, 3. Last evaluated: 2023-08-24. Review status: criteria provided, single submitter. Criteria: Myriad Autosomal Dominant, Autosomal Recessive and X-Linked Classification Criteria (2023). Collection method: clinical testing. Allele origin: unknown.
Comment: This variant is considered pathogenic. This variant creates a frameshift predicted to result in premature protein truncation.

NM_058216.3(RAD51C):c.42_45dup (p.Ser16fs)

Gene: RAD51C (RAD51 paralog C; plus strand). Cytogenetic location: 17q22.
Variant type: Duplication.
Coding change: c.42_45dup on transcript NM_058216.3 (MANE Select); coding-DNA positions 42 to 45, 4 bases duplicated (GGTG; older notation c.42_45dupGGTG).
Protein change: p.Ser16fs; shifts the reading frame from serine 16.
Molecular consequence: frameshift variant. On other transcripts: non-coding transcript variant (1).
Genome position (GRCh38, 1-based): chr17:58,692,685-58,692,688, GGTG duplicated. VCF-style (leftmost placement, unchanged base first): chr17-58692684-T-TGGTG. GRCh37 (hg19) VCF-style: chr17-56770045-T-TGGTG.
Other names: c.42_45dup, p.Ser16fs (NM_002876.4); c.42_45dup, p.Ser16Glyfs (NM_058217.1); c.42_45dupGGTG (NM_058216.1); short protein forms S16fs.
Identifiers: ClinVar variation 2674419 (VCV002674419.2), dbSNP rs2509260903, ClinGen allele CA2695200292.